The following is an entry in ClinVar:

ClinVar aggregate classification (germline): Uncertain significance. Review status: criteria provided, multiple submitters, no conflicts (2 of 4 stars). 2 submissions from 2 submitters: Uncertain significance (2). Last evaluated 2023-07-12.

Conditions:
Alagille syndrome due to a JAG1 point mutation. Also called: Alagille Syndrome 1; JAG1-Related Alagille Syndrome; HEPATIC DUCTULAR HYPOPLASIA, SYNDROMATIC. Identifiers: Orphanet 261619, Orphanet 52, MedGen C1956125, MONDO:0016862, OMIM 118450.
Cardiovascular phenotype. Identifiers: MedGen CN230736.

Submissions (2):

Labcorp Genetics (formerly Invitae), Labcorp
Classification: Uncertain significance for Alagille syndrome due to a JAG1 point mutation. Last evaluated: 2023-07-12. Review status: criteria provided, single submitter. Criteria: Invitae Variant Classification Sherloc (09022015). Collection method: clinical testing. Allele origin: germline.
Comment: In summary, the available evidence is currently insufficient to determine the role of this variant in disease. Therefore, it has been classified as a Variant of Uncertain Significance. Advanced modeling of protein sequence and biophysical properties (such as structural, functional, and spatial information, amino acid conservation, physicochemical variation, residue mobility, and thermodynamic stability) has been performed at Invitae for this missense variant, however the output from this modeling did not meet the statistical confidence thresholds required to predict the impact of this variant on JAG1 protein function. ClinVar contains an entry for this variant (Variation ID: 1777316). This variant has not been reported in the literature in individuals affected with JAG1-related conditions. This variant is not present in population databases (gnomAD no frequency). This sequence change replaces proline, which is neutral and non-polar, with alanine, which is neutral and non-polar, at codon 552 of the JAG1 protein (p.Pro552Ala).

Ambry Genetics
Classification: Uncertain significance for Cardiovascular phenotype. Last evaluated: 2021-06-30. Review status: criteria provided, single submitter. Criteria: Ambry Variant Classification Scheme 2023. Collection method: clinical testing. Allele origin: germline.
Comment: The p.P552A variant (also known as c.1654C>G), located in coding exon 13 of the JAG1 gene, results from a C to G substitution at nucleotide position 1654. The proline at codon 552 is replaced by alanine, an amino acid with highly similar properties. This amino acid position is conserved. In addition, the in silico prediction for this alteration is inconclusive. Since supporting evidence is limited at this time, the clinical significance of this alteration remains unclear.

NM_000214.3(JAG1):c.1654C>G (p.Pro552Ala)

Gene: JAG1 (jagged canonical Notch ligand 1; minus strand). Cytogenetic location: 20p12.2.
Variant type: single nucleotide variant.
Coding change: c.1654C>G on transcript NM_000214.3 (MANE Select); coding-DNA position 1654, C replaced by G.
Protein change: p.Pro552Ala; replaces proline 552 with alanine.
Molecular consequence: missense variant.
Genome position (GRCh38, 1-based): chr20:10,648,026, G>C on the plus strand (C>G on the coding strand, the complement: JAG1 is on the minus strand). VCF-style: chr20-10648026-G-C. GRCh37 (hg19) VCF-style: chr20-10628674-G-C.
Other names: short protein forms P552A.
Identifiers: ClinVar variation 1777316 (VCV001777316.5), dbSNP rs2514516623, ClinGen allele CA408236845.